The following is an entry in ClinVar:

ClinVar aggregate classification (germline): Uncertain significance (1 of 4 stars; one submission).

Conditions:
SHORT syndrome. Also called: PIK3R1-Related SHORT Syndrome; SHORT STATURE, HYPEREXTENSIBILITY, HERNIA, OCULAR DEPRESSION, RIEGER ANOMALY, AND TEETHING DELAY; LIPODYSTROPHY, PARTIAL, WITH RIEGER ANOMALY AND SHORT STATURE. Identifiers: Orphanet 3163, MedGen C0878684, MONDO:0010026, OMIM 269880.
Agammaglobulinemia 7, autosomal recessive (AGM7). Also called: AGAMMAGLOBULINEMIA, AUTOSOMAL RECESSIVE, DUE TO PIK3R1 DEFECT. Identifiers: MedGen C3554689, MONDO:0014083, OMIM 615214.
Immunodeficiency 36 with lymphoproliferation. Also called: ACTIVATED PI3K-DELTA SYNDROME 2; Activated PI3K Delta Syndrome Type 2 (APDS2); Immunodeficiency 36. Identifiers: Orphanet 397596, Orphanet 693681, MedGen C4014934, MONDO:0014453, OMIM 616005.

Allele frequency attached by ClinVar (database versions not stated): TOPMed below 0.00001; gnomAD exomes 0.00001.
gnomAD v4.1: 19 of 1,614,018 alleles (0.0012%); highest among the groups gnomAD compares: Admixed American, 0.0067%; no homozygotes.

Submission:

Labcorp Genetics (formerly Invitae), Labcorp
Classification: Uncertain significance for SHORT syndrome; Immunodeficiency 36 with lymphoproliferation; Agammaglobulinemia 7, autosomal recessive. Last evaluated: 2024-04-29. Review status: criteria provided, single submitter. Criteria: Invitae Variant Classification Sherloc (09022015). Collection method: clinical testing. Allele origin: germline.
Comment: This sequence change replaces arginine, which is basic and polar, with glycine, which is neutral and non-polar, at codon 274 of the PIK3R1 protein (p.Arg274Gly). This variant is present in population databases (rs55896055, gnomAD 0.006%). This variant has not been reported in the literature in individuals affected with PIK3R1-related conditions. ClinVar contains an entry for this variant (Variation ID: 1907959). An algorithm developed to predict the effect of missense changes on protein structure and function (PolyPhen-2) suggests that this variant is likely to be disruptive. In summary, the available evidence is currently insufficient to determine the role of this variant in disease. Therefore, it has been classified as a Variant of Uncertain Significance.

NM_181523.3(PIK3R1):c.820A>G (p.Arg274Gly)

Gene: PIK3R1 (phosphoinositide-3-kinase regulatory subunit 1; plus strand). Cytogenetic location: 5q13.1.
Variant type: single nucleotide variant.
Coding change: c.820A>G on transcript NM_181523.3 (MANE Select); coding-DNA position 820, A replaced by G.
Protein change: p.Arg274Gly; replaces arginine 274 with glycine.
Molecular consequence: missense variant.
Genome position (GRCh38, 1-based): chr5:68,280,713, A>G. VCF-style: chr5-68280713-A-G. GRCh37 (hg19) VCF-style: chr5-67576541-A-G.
Other names: short protein forms R274G.
Identifiers: ClinVar variation 1907959 (VCV001907959.5), dbSNP rs55896055, ClinGen allele CA119896658.